The following is an entry in ClinVar:

ClinVar aggregate classification (germline): Uncertain significance. Review status: criteria provided, multiple submitters, no conflicts (2 of 4 stars). 5 submissions from 4 submitters: Uncertain significance (5). Last evaluated 2024-12-18.

Conditions:
Complement component 5 deficiency. Also called: C5 DEFICIENCY. Identifiers: MedGen C0343047, MONDO:0012295, OMIM 609536.
Eculizumab, poor response to. Identifiers: MedGen C3810402, OMIM 615749.

Allele frequency attached by ClinVar (database versions not stated): gnomAD 0.00002; gnomAD exomes 0.00004 and 0.00021; TOPMed 0.00011; ExAC 0.00017.
gnomAD v4.1: 62 of 1,613,720 alleles (0.0038%); highest among the groups gnomAD compares: Admixed American, 0.092%; no homozygotes.

Submissions (5):

Labcorp Genetics (formerly Invitae), Labcorp
Classification: Uncertain significance. Last evaluated: 2024-12-18. Review status: criteria provided, single submitter. Criteria: Invitae Variant Classification Sherloc (09022015). Collection method: clinical testing. Allele origin: germline.
Comment: This sequence change replaces arginine, which is basic and polar, with glutamine, which is neutral and polar, at codon 1138 of the C5 protein (p.Arg1138Gln). This variant is present in population databases (rs779879112, gnomAD 0.2%). This variant has not been reported in the literature in individuals affected with C5-related conditions. ClinVar contains an entry for this variant (Variation ID: 625902). Invitae Evidence Modeling of protein sequence and biophysical properties (such as structural, functional, and spatial information, amino acid conservation, physicochemical variation, residue mobility, and thermodynamic stability) indicates that this missense variant is not expected to disrupt C5 protein function with a negative predictive value of 80%. In summary, the available evidence is currently insufficient to determine the role of this variant in disease. Therefore, it has been classified as a Variant of Uncertain Significance.

Fulgent Genetics
Classification: Uncertain significance for Complement component 5 deficiency; Eculizumab, poor response to. Last evaluated: 2022-02-11. Review status: criteria provided, single submitter. Criteria: ACMG Guidelines, 2015. Collection method: clinical testing. Allele origin: unknown.

Center for Genomics, Ann and Robert H. Lurie Children's Hospital of Chicago
Classification: Uncertain significance for Complement component 5 deficiency. Last evaluated: 2018-07-03. Review status: criteria provided, single submitter. Criteria: ACMG Guidelines, 2015. Collection method: clinical testing. Allele origin: germline.
Comment: C5 NM_001735.2 exon 27 p.Arg1138Gln (c.3413G>A): This variant has not been reported in the literature but is present in 0.1% (53/34416) of Latino alleles in the Genome Aggregation Database. This variant amino acid Glutamine (Gln) is present in >20 species and is not well conserved among evolutionarily distant species; this suggests that this variant may not impact the protein. Additional computational prediction tools do not suggest an impact. In summary, data on this variant is insufficient for disease classification. Therefore, the clinical significance of this variant is uncertain.

Breakthrough Genomics
Classification: Uncertain significance. Review status: criteria provided, single submitter. Criteria: ACMG Guidelines, 2015. Collection method: not provided. Allele origin: germline. Inheritance: Autosomal recessive inheritance. Affected: yes.

Center for Genomics, Ann and Robert H. Lurie Children's Hospital of Chicago
Classification: Uncertain significance for Complement component 5 deficiency; Eculizumab, poor response to. Review status: criteria provided, single submitter. Criteria: ACMG Guidelines, 2015. Collection method: clinical testing. Allele origin: germline.
Comment: the same text as in the submission from Center for Genomics, Ann and Robert H. Lurie Children's Hospital of Chicago above.

NM_001735.3(C5):c.3413G>A (p.Arg1138Gln)

Gene: C5 (complement C5; minus strand). Cytogenetic location: 9q33.2.
Variant type: single nucleotide variant.
Coding change: c.3413G>A on transcript NM_001735.3 (MANE Select); coding-DNA position 3413, G replaced by A.
Protein change: p.Arg1138Gln; replaces arginine 1138 with glutamine.
Molecular consequence: missense variant.
Genome position (GRCh38, 1-based): chr9:120,981,917, C>T on the plus strand (G>A on the coding strand, the complement: C5 is on the minus strand). VCF-style: chr9-120981917-C-T. GRCh37 (hg19) VCF-style: chr9-123744195-C-T.
Other names: c.3431G>A, p.Arg1144Gln (NM_001317163.2); short protein forms R1138Q, R1144Q.
Identifiers: ClinVar variation 625902 (VCV000625902.8), dbSNP rs779879112, ClinGen allele CA5217480.